The following is an entry in ClinVar:

NM_201548.5(CERKL):c.677+610A>G

Gene: CERKL (CERK like autophagy regulator; minus strand). Cytogenetic location: 2q31.3.
Variant type: single nucleotide variant.
Coding change: c.677+610A>G on transcript NM_201548.5 (MANE Select); 610 bases into the intron after coding-DNA position 677, A replaced by G.
Molecular consequence: intron variant. On other transcripts: missense variant (2).
Genome position (GRCh38, 1-based): chr2:181,565,448, T>C on the plus strand (A>G on the coding strand, the complement: CERKL is on the minus strand). VCF-style: chr2-181565448-T-C. GRCh37 (hg19) VCF-style: chr2-182430175-T-C.
Other names: c.740A>G, p.Gln247Arg (NM_001030311.3); c.608A>G, p.Gln203Arg (NM_001160277.2); c.482-15740A>G (NM_001030312.3); c.613+8305A>G (NM_001030313.3); short protein forms Q203R, Q247R.
Identifiers: ClinVar variation 998778 (VCV000998778.7), dbSNP rs116063501, ClinGen allele CA2010703.

ClinVar aggregate classification (germline): Uncertain significance. Review status: criteria provided, single submitter (1 of 4 stars). 2 submissions from 2 submitters: Uncertain significance (1). 1 of the submissions does not count toward it. Last evaluated 2021-08-30.

Conditions:
Retinitis pigmentosa 26 (RP26). Identifiers: Orphanet 791, MedGen C1842127, MONDO:0012024, OMIM 608380.

Allele frequency attached by ClinVar (database versions not stated): gnomAD exomes below 0.00001 and 0.00002; ExAC 0.00002; gnomAD 0.00004 and 0.00005; TOPMed 0.00007; 1000 Genomes Project 0.00020; 1000 Genomes Project 30x 0.00031.
gnomAD v4.1: 13 of 1,612,270 alleles (0.00081%); highest among the groups gnomAD compares: African/African-American, 0.016%; no homozygotes.

Submissions (2):

Labcorp Genetics (formerly Invitae), Labcorp
Classification: Uncertain significance. Last evaluated: 2021-08-30. Review status: criteria provided, single submitter. Criteria: Invitae Variant Classification Sherloc (09022015). Collection method: clinical testing. Allele origin: germline.
Comment: This sequence change replaces glutamine with arginine at codon 247 of the CERKL protein (p.Gln247Arg). The glutamine residue is weakly conserved and there is a small physicochemical difference between glutamine and arginine. This variant is present in population databases (rs116063501, ExAC 0.03%). This variant has not been reported in the literature in individuals affected with CERKL-related conditions. Algorithms developed to predict the effect of missense changes on protein structure and function (SIFT, PolyPhen-2, Align-GVGD) all suggest that this variant is likely to be tolerated. In summary, the available evidence is currently insufficient to determine the role of this variant in disease. Therefore, it has been classified as a Variant of Uncertain Significance.

Natera, Inc.
Classification: Uncertain significance for Retinitis Pigmentosa 26. Last evaluated: 2021-10-14. Review status: no assertion criteria provided. Collection method: clinical testing. Allele origin: germline. Not counted in ClinVar's aggregate classification.